The following is an entry in ClinVar:

NM_012123.4(MTO1):c.277del (p.Glu92_Val93insTer)

Gene: MTO1 (mitochondrial tRNA translation optimization 1; plus strand). Cytogenetic location: 6q13.
Variant type: Deletion.
Coding change: c.277del on transcript NM_012123.4 (MANE Select); coding-DNA position 277, one base deleted (G; older notation c.277delG).
Protein change: p.Glu92_Val93insTer.
Molecular consequence: nonsense.
Genome position (GRCh38, 1-based): chr6:73,466,268, G deleted. VCF-style (leftmost placement, unchanged base first): chr6-73466267-AG-A. GRCh37 (hg19) VCF-style: chr6-74175990-AG-A.
Other names: c.277del, p.Glu92_Val93insTer (NM_001123226.2, NM_133645.3).
Identifiers: ClinVar variation 2997960 (VCV002997960.3), dbSNP rs2533245122, ClinGen allele CA2740091426.

ClinVar aggregate classification (germline): Pathogenic (1 of 4 stars; one submission).

Conditions:
Mitochondrial hypertrophic cardiomyopathy with lactic acidosis due to MTO1 deficiency. Also called: CARDIOMYOPATHY, INFANTILE HYPERTROPHIC MITOCHONDRIAL, AND LACTIC ACIDOSIS; Combined oxidative phosphorylation deficiency 10. Identifiers: Orphanet 314637, MedGen C4749921, MONDO:0013865, OMIM 614702.

Submission:

Labcorp Genetics (formerly Invitae), Labcorp
Classification: Pathogenic for Mitochondrial hypertrophic cardiomyopathy with lactic acidosis due to MTO1 deficiency. Last evaluated: 2022-12-20. Review status: criteria provided, single submitter. Criteria: Invitae Variant Classification Sherloc (09022015). Collection method: clinical testing. Allele origin: germline.
Comment: This sequence change creates a premature translational stop signal (p.Val93*) in the MTO1 gene. It is expected to result in an absent or disrupted protein product. Loss-of-function variants in MTO1 are known to be pathogenic (PMID: 22608499, 25058219). This variant is not present in population databases (gnomAD no frequency). This variant has not been reported in the literature in individuals affected with MTO1-related conditions. For these reasons, this variant has been classified as Pathogenic.

Literature cited by the submitters: PubMed 22608499; PubMed 25058219.